The following is an entry in ClinVar:

ClinVar aggregate classification (germline): Uncertain significance. Review status: criteria provided, multiple submitters, no conflicts (2 of 4 stars). 2 submissions from 2 submitters: Uncertain significance (2). Last evaluated 2022-08-21.

Conditions:
Pontocerebellar hypoplasia type 2A (PCH2A). Also called: PONTOCEREBELLAR HYPOPLASIA WITH PROGRESSIVE CEREBRAL ATROPHY; VOLENDAM NEURODEGENERATIVE DISEASE. Identifiers: Orphanet 2524, MedGen C1848526, MONDO:0010190, OMIM 277470.

gnomAD v4.1: 5 of 1,568,044 alleles (0.00032%); highest among the groups gnomAD compares: Non-Finnish European, 0.00043%; no homozygotes.

Submissions (2):

Labcorp Genetics (formerly Invitae), Labcorp
Classification: Uncertain significance. Last evaluated: 2022-08-21. Review status: criteria provided, single submitter. Criteria: Invitae Variant Classification Sherloc (09022015). Collection method: clinical testing. Allele origin: germline.
Comment: This sequence change replaces arginine, which is basic and polar, with glycine, which is neutral and non-polar, at codon 59 of the TSEN54 protein (p.Arg59Gly). This variant is present in population databases (no rsID available, gnomAD 0.001%). This variant has not been reported in the literature in individuals affected with TSEN54-related conditions. Algorithms developed to predict the effect of missense changes on protein structure and function are either unavailable or do not agree on the potential impact of this missense change (SIFT: "Tolerated"; PolyPhen-2: "Probably Damaging"; Align-GVGD: "Class C15"). In summary, the available evidence is currently insufficient to determine the role of this variant in disease. Therefore, it has been classified as a Variant of Uncertain Significance.

MGZ Medical Genetics Center
Classification: Uncertain significance for Pontocerebellar hypoplasia type 2A. Last evaluated: 2022-02-23. Review status: criteria provided, single submitter. Criteria: ACMG Guidelines, 2015. Collection method: clinical testing. Allele origin: germline. Affected: yes. Observed: 1 variant allele.
Comment: ACMG criteria applied: PM2_SUP, PM3_SUP, BP4

NM_207346.3(TSEN54):c.175C>G (p.Arg59Gly)

Gene: TSEN54 (tRNA splicing endonuclease subunit 54; plus strand). Cytogenetic location: 17q25.1.
Variant type: single nucleotide variant.
Coding change: c.175C>G on transcript NM_207346.3 (MANE Select); coding-DNA position 175, C replaced by G.
Protein change: p.Arg59Gly; replaces arginine 59 with glycine.
Molecular consequence: missense variant.
Genome position (GRCh38, 1-based): chr17:75,516,864, C>G. VCF-style: chr17-75516864-C-G. GRCh37 (hg19) VCF-style: chr17-73512945-C-G.
Other names: short protein forms R59G.
Identifiers: ClinVar variation 1709171 (VCV001709171.4), dbSNP rs1214796361, ClinGen allele CA401027143.